The following is an entry in ClinVar:

ClinVar aggregate classification (germline): Benign/Likely benign. Review status: criteria provided, multiple submitters, no conflicts (2 of 4 stars). 10 submissions from 10 submitters: Benign (6); Likely benign (2). 2 of the submissions do not count toward it. Last evaluated 2026-05-09.

Conditions:
Iodotyrosyl coupling defect (TDH3). Also called: HYPOTHYROIDISM, CONGENITAL, DUE TO DYSHORMONOGENESIS, 3; THYROID HORMONOGENESIS, GENETIC DEFECT IN, 3. Identifiers: Orphanet 95716, MedGen C0342194, MONDO:0010135, OMIM 274700.

Allele frequency attached by ClinVar (database versions not stated): 1000 Genomes Project 0.34685; ESP Exome Variant Server 0.37890; TOPMed 0.38521; gnomAD 0.39534 and 0.40048; ExAC 0.48460; gnomAD exomes 0.49549 and 0.51266; 1000 Genomes Project 30x 0.34354.
gnomAD v4.1: 808,168 of 1,613,286 alleles (50%); highest among the groups gnomAD compares: Admixed American, 59%; 210,810 homozygotes.

Submissions (10):

Women's Health and Genetics/Laboratory Corporation of America, LabCorp
Classification: Likely benign. Last evaluated: 2026-05-09. Review status: criteria provided, single submitter. Criteria: LabCorp Variant Classification Summary - May 2015. Collection method: clinical testing. Allele origin: germline.

Labcorp Genetics (formerly Invitae), Labcorp
Classification: Benign. Last evaluated: 2026-02-04. Review status: criteria provided, single submitter. Criteria: Invitae Variant Classification Sherloc (09022015). Collection method: clinical testing. Allele origin: germline.

Blueprint Genetics
Classification: Likely benign. Last evaluated: 2024-11-27. Review status: criteria provided, single submitter. Criteria: ACMG Guidelines, 2015. Collection method: clinical testing. Allele origin: germline.

Genome-Nilou Lab
Classification: Benign for Iodotyrosyl coupling defect. Last evaluated: 2021-09-10. Review status: criteria provided, single submitter. Criteria: ACMG Guidelines, 2015. Collection method: clinical testing. Allele origin: germline. Affected: no.

GeneDx
Classification: Benign. Last evaluated: 2019-02-08. Review status: criteria provided, single submitter. Criteria: GeneDx Variant Classification Process June 2021. Collection method: clinical testing. Allele origin: germline. Affected: yes.

Illumina Laboratory Services, Illumina
Classification: Benign for Iodotyrosyl coupling defect. Last evaluated: 2018-01-12. Review status: criteria provided, single submitter. Criteria: ICSL Variant Classification Criteria 13 December 2019. Collection method: clinical testing. Allele origin: germline.
Comment: This variant was observed in the ICSL laboratory as part of a predisposition screen in an ostensibly healthy population. It had not been previously curated by ICSL or reported in the Human Gene Mutation Database (HGMD: prior to June 1st, 2018), and was therefore a candidate for classification through an automated scoring system. Utilizing variant allele frequency, disease prevalence and penetrance estimates, and inheritance mode, an automated score was calculated to assess if this variant is too frequent to cause the disease. Based on the score and internal cut-off values, a variant classified as benign is not then subjected to further curation. The score for this variant resulted in a classification of benign for this disease.

Breakthrough Genomics
Classification: Benign. Review status: criteria provided, single submitter. Criteria: ACMG Guidelines, 2015. Collection method: not provided. Allele origin: germline. Inheritance: Autosomal recessive inheritance. Affected: yes.

PreventionGenetics, part of Exact Sciences
Classification: Benign. Review status: criteria provided, single submitter. Criteria: ACMG Guidelines, 2015. Collection method: clinical testing. Allele origin: germline.

Clinical Genetics, Academic Medical Center
Classification: Benign. Review status: no assertion criteria provided. Collection method: clinical testing. Allele origin: germline. Affected: yes. Study: VKGL Data-share Consensus. Not counted in ClinVar's aggregate classification.

Diagnostic Laboratory, Department of Genetics, University Medical Center Groningen
Classification: Benign. Review status: no assertion criteria provided. Collection method: clinical testing. Allele origin: germline. Affected: yes. Study: VKGL Data-share Consensus. Not counted in ClinVar's aggregate classification.

NM_003235.5(TG):c.5512G>A (p.Asp1838Asn)

Gene: TG (thyroglobulin; plus strand). Cytogenetic location: 8q24.22.
Variant type: single nucleotide variant.
Coding change: c.5512G>A on transcript NM_003235.5 (MANE Select); coding-DNA position 5512, G replaced by A.
Protein change: p.Asp1838Asn; replaces aspartic acid 1838 with asparagine.
Molecular consequence: missense variant.
Genome position (GRCh38, 1-based): chr8:132,963,038, G>A. VCF-style: chr8-132963038-G-A. GRCh37 (hg19) VCF-style: chr8-133975283-G-A.
Other names: short protein forms D1838N.
Identifiers: ClinVar variation 258996 (VCV000258996.19), dbSNP rs2069561, ClinGen allele CA4884537.